The following is an entry in ClinVar:

ClinVar aggregate classification (germline): Uncertain significance (1 of 4 stars; one submission).

Submission:

GeneDx
Classification: Uncertain significance. Last evaluated: 2022-05-05. Review status: criteria provided, single submitter. Criteria: GeneDx Variant Classification Process June 2021. Collection method: clinical testing. Allele origin: germline. Affected: yes.
Comment: Not observed at significant frequency in large population cohorts (gnomAD); In silico analysis supports that this missense variant has a deleterious effect on protein structure/function; Has not been previously published as pathogenic or benign to our knowledge

NM_014991.6(WDFY3):c.704C>G (p.Ala235Gly)

Gene: WDFY3 (WD repeat and FYVE domain containing 3; minus strand). Cytogenetic location: 4q21.23.
Variant type: single nucleotide variant.
Coding change: c.704C>G on transcript NM_014991.6 (MANE Select); coding-DNA position 704, C replaced by G.
Protein change: p.Ala235Gly; replaces alanine 235 with glycine.
Molecular consequence: missense variant.
Genome position (GRCh38, 1-based): chr4:84,831,478, G>C on the plus strand (C>G on the coding strand, the complement: WDFY3 is on the minus strand). VCF-style: chr4-84831478-G-C. GRCh37 (hg19) VCF-style: chr4-85752631-G-C.
Other names: short protein forms A235G.
Identifiers: ClinVar variation 1800844 (VCV001800844.1), dbSNP rs2534980481, ClinGen allele CA357541489.